The following is an entry in ClinVar:

NM_001854.4(COL11A1):c.1687C>T (p.Pro563Ser)

Gene: COL11A1 (collagen type XI alpha 1 chain; minus strand). Cytogenetic location: 1p21.1.
Variant type: single nucleotide variant.
Coding change: c.1687C>T on transcript NM_001854.4 (MANE Select); coding-DNA position 1687, C replaced by T.
Protein change: p.Pro563Ser; replaces proline 563 with serine.
Molecular consequence: missense variant. On other transcripts: non-coding transcript variant (1).
Genome position (GRCh38, 1-based): chr1:103,006,312, G>A on the plus strand (C>T on the coding strand, the complement: COL11A1 is on the minus strand). VCF-style: chr1-103006312-G-A. GRCh37 (hg19) VCF-style: chr1-103471868-G-A.
Other names: c.1339C>T, p.Pro447Ser (NM_001168249.1, NM_080630.4); c.1570C>T, p.Pro524Ser (NM_001190709.2); c.1723C>T, p.Pro575Ser (NM_080629.3); short protein forms P524S, P575S, P447S, P563S.
Identifiers: ClinVar variation 2731307 (VCV002731307.3), dbSNP rs2525409349, ClinGen allele CA341175229.

ClinVar aggregate classification (germline): Uncertain significance (1 of 4 stars; one submission).

Submission:

Labcorp Genetics (formerly Invitae), Labcorp
Classification: Uncertain significance. Last evaluated: 2023-06-27. Review status: criteria provided, single submitter. Criteria: Invitae Variant Classification Sherloc (09022015). Collection method: clinical testing. Allele origin: germline.
Comment: Advanced modeling of protein sequence and biophysical properties (such as structural, functional, and spatial information, amino acid conservation, physicochemical variation, residue mobility, and thermodynamic stability) performed at Invitae indicates that this missense variant is not expected to disrupt COL11A1 protein function. In summary, the available evidence is currently insufficient to determine the role of this variant in disease. Therefore, it has been classified as a Variant of Uncertain Significance. This variant has not been reported in the literature in individuals affected with COL11A1-related conditions. This variant is not present in population databases (gnomAD no frequency). This sequence change replaces proline, which is neutral and non-polar, with serine, which is neutral and polar, at codon 563 of the COL11A1 protein (p.Pro563Ser).